The following is an entry in ClinVar:

ClinVar aggregate classification (germline): Uncertain significance. Review status: criteria provided, multiple submitters, no conflicts (2 of 4 stars). 2 submissions from 2 submitters: Uncertain significance (2). Last evaluated 2021-08-27.

Conditions:
Autosomal recessive distal spinal muscular atrophy 1. Also called: HMN VI; NEURONOPATHY, DISTAL HEREDITARY MOTOR, HARDING TYPE VI; NEUROPATHY, DISTAL HEREDITARY MOTOR, AUTOSOMAL RECESSIVE 1; Spinal muscular atrophy with respiratory distress 1; NEURONOPATHY, SEVERE INFANTILE AXONAL, WITH RESPIRATORY FAILURE; SEVERE INFANTILE AXONAL NEUROPATHY WITH RESPIRATORY FAILURE. Identifiers: Orphanet 98920, MedGen C1858517, MONDO:0011436, OMIM 604320.
Charcot-Marie-Tooth disease axonal type 2S. Also called: CHARCOT-MARIE-TOOTH NEUROPATHY, TYPE 2S; CHARCOT-MARIE-TOOTH DISEASE, AXONAL, AUTOSOMAL RECESSIVE, TYPE 2S. Identifiers: Orphanet 443073, MedGen C4015349, MONDO:0014511, OMIM 616155.

Allele frequency attached by ClinVar (database versions not stated): gnomAD 0.00001; gnomAD exomes 0.00001; TOPMed 0.00001.
gnomAD v4.1: 5 of 1,608,034 alleles (0.00031%); highest among the groups gnomAD compares: South Asian, 0.0011%; no homozygotes.

Submissions (2):

Labcorp Genetics (formerly Invitae), Labcorp
Classification: Uncertain significance for Autosomal recessive distal spinal muscular atrophy 1; Charcot-Marie-Tooth disease axonal type 2S. Last evaluated: 2021-08-27. Review status: criteria provided, single submitter. Criteria: Invitae Variant Classification Sherloc (09022015). Collection method: clinical testing. Allele origin: germline.
Comment: This sequence change replaces proline with serine at codon 848 of the IGHMBP2 protein (p.Pro848Ser). The proline residue is weakly conserved and there is a moderate physicochemical difference between proline and serine. This variant is not present in population databases (ExAC no frequency). This variant has not been reported in the literature in individuals affected with IGHMBP2-related conditions. ClinVar contains an entry for this variant (Variation ID: 429243). Advanced modeling of protein sequence and biophysical properties (such as structural, functional, and spatial information, amino acid conservation, physicochemical variation, residue mobility, and thermodynamic stability) performed at Invitae indicates that this missense variant is not expected to disrupt IGHMBP2 protein function. In summary, the available evidence is currently insufficient to determine the role of this variant in disease. Therefore, it has been classified as a Variant of Uncertain Significance.

GeneDx
Classification: Uncertain significance. Last evaluated: 2017-04-21. Review status: criteria provided, single submitter. Criteria: GeneDx Variant Classification (06012015). Collection method: clinical testing. Allele origin: germline. Affected: yes.
Comment: A variant of uncertain significance has been identified in the IGHMBP2 gene. The P848S variant has not been published as a pathogenic variant, nor has it been reported as a benign variant to our knowledge. The P848S variant is not observed in large population cohorts (Lek et al., 2016; 1000 Genomes Consortium et al., 2015; Exome Variant Server). The P848S variant is a non-conservative amino acid substitution, which is likely to impact secondary protein structure as these residues differ in polarity, charge, size and/or other properties. However, this substitution occurs at a position that is not conserved, and in silico analysis predicts this variant likely does not alter the protein structure/function. Therefore, based on the currently available information, it is unclear whether this variant is a pathogenic variant or a rare benign variant.

NM_002180.3(IGHMBP2):c.2542C>T (p.Pro848Ser)

Gene: IGHMBP2 (immunoglobulin mu DNA binding protein 2; plus strand). Cytogenetic location: 11q13.3.
Variant type: single nucleotide variant.
Coding change: c.2542C>T on transcript NM_002180.3 (MANE Select); coding-DNA position 2542, C replaced by T.
Protein change: p.Pro848Ser; replaces proline 848 with serine.
Molecular consequence: missense variant.
Genome position (GRCh38, 1-based): chr11:68,937,022, C>T. VCF-style: chr11-68937022-C-T. GRCh37 (hg19) VCF-style: chr11-68704490-C-T.
Other names: short protein forms P848S.
Identifiers: ClinVar variation 429243 (VCV000429243.7), dbSNP rs1131691275, ClinGen allele CA381653923.
Genomic context (GRCh38, chr11:68,937,022, plus strand): 5'-CCTGATCTGAGGACGCTGCACCTGGAGAGACTGCAGAGGGTCAGGAGCGCGCAGGGGCAG[C>T]CCGCCAGCAAGGAGCAGCAGGCCTCAGGGCAGCAGAAACTTCCAGAAAAGAAAAAGAAAA-3'
Protein context (NP_002171.2, residues 838-858): LQRVRSAQGQ[Pro848Ser]ASKEQQASGQ